The following is an entry in ClinVar:

ClinVar aggregate classification (germline): Uncertain significance. Review status: criteria provided, multiple submitters, no conflicts (2 of 4 stars). 2 submissions from 2 submitters: Uncertain significance (2). Last evaluated 2025-05-28.

Conditions:
Hereditary cancer-predisposing syndrome. Also called: Tumor predisposition; Hereditary neoplastic syndrome; Neoplastic Syndromes, Hereditary; Hereditary Cancer Syndrome. Identifiers: Orphanet 140162, MedGen C0027672, MeSH D009386, MONDO:0015356.
Carney complex, type 1 (CNC1). Also called: CARNEY COMPLEX, TYPE I; CARNEY MYXOMA-ENDOCRINE COMPLEX. Identifiers: Orphanet 1359, MedGen C2607929, MONDO:0008057, OMIM 160980.

Allele frequency attached by ClinVar (database versions not stated): gnomAD exomes below 0.00001.
gnomAD v4.1: 1 of 1,613,446 alleles (0.000062%); no homozygotes.

Submissions (2):

Ambry Genetics
Classification: Uncertain significance for Hereditary cancer-predisposing syndrome. Last evaluated: 2025-05-28. Review status: criteria provided, single submitter. Criteria: Ambry Variant Classification Scheme 2023. Collection method: clinical testing. Allele origin: germline.
Comment: The p.A102T variant (also known as c.304G>A), located in coding exon 2 of the PRKAR1A gene, results from a G to A substitution at nucleotide position 304. The alanine at codon 102 is replaced by threonine, an amino acid with similar properties. This amino acid position is conserved. In addition, this alteration is predicted to be deleterious by in silico analysis. Since supporting evidence is limited at this time, the clinical significance of this alteration remains unclear.

Labcorp Genetics (formerly Invitae), Labcorp
Classification: Uncertain significance for Carney complex, type 1. Last evaluated: 2024-05-20. Review status: criteria provided, single submitter. Criteria: Invitae Variant Classification Sherloc (09022015). Collection method: clinical testing. Allele origin: germline.
Comment: This sequence change replaces alanine, which is neutral and non-polar, with threonine, which is neutral and polar, at codon 102 of the PRKAR1A protein (p.Ala102Thr). This variant is not present in population databases (gnomAD no frequency). This variant has not been reported in the literature in individuals affected with PRKAR1A-related conditions. ClinVar contains an entry for this variant (Variation ID: 1500538). Advanced modeling of protein sequence and biophysical properties (such as structural, functional, and spatial information, amino acid conservation, physicochemical variation, residue mobility, and thermodynamic stability) has been performed at Invitae for this missense variant, however the output from this modeling did not meet the statistical confidence thresholds required to predict the impact of this variant on PRKAR1A protein function. In summary, the available evidence is currently insufficient to determine the role of this variant in disease. Therefore, it has been classified as a Variant of Uncertain Significance.

NM_002734.5(PRKAR1A):c.304G>A (p.Ala102Thr)

Gene: PRKAR1A (protein kinase cAMP-dependent type I regulatory subunit alpha; plus strand). Cytogenetic location: 17q24.2.
Variant type: single nucleotide variant.
Coding change: c.304G>A on transcript NM_002734.5 (MANE Select); coding-DNA position 304, G replaced by A.
Protein change: p.Ala102Thr; replaces alanine 102 with threonine.
Molecular consequence: missense variant.
Genome position (GRCh38, 1-based): chr17:68,522,882, G>A. VCF-style: chr17-68522882-G-A. GRCh37 (hg19) VCF-style: chr17-66519023-G-A.
Other names: c.304G>A, p.Ala102Thr (NM_001278433.2, NM_001369389.1, NM_001369390.1 and 4 more transcripts); c.304G>A (NM_002734.3); short protein forms A102T.
Identifiers: ClinVar variation 1500538 (VCV001500538.10), dbSNP rs2143274565, ClinGen allele CA400752427.